The following is an entry in ClinVar:

ClinVar aggregate classification (germline): Pathogenic. Review status: criteria provided, multiple submitters, no conflicts (2 of 4 stars). 3 submissions from 3 submitters: Pathogenic (3). Last evaluated 2024-10-30.

Conditions:
Hereditary cancer-predisposing syndrome. Also called: Hereditary neoplastic syndrome; Neoplastic Syndromes, Hereditary; Tumor predisposition; Hereditary Cancer Syndrome. Identifiers: Orphanet 140162, MedGen C0027672, MeSH D009386, MONDO:0015356.
Multiple endocrine neoplasia, type 1 (MEN1). Also called: Endocrine adenomatosis multiple; MEN 1; MEA I; MEN I; WERMER SYNDROME. Identifiers: Orphanet 652, MedGen C0025267, MeSH D018761, MONDO:0007540, OMIM 131100.

Submissions (3):

Ambry Genetics
Classification: Pathogenic for Hereditary cancer-predisposing syndrome. Last evaluated: 2024-10-30. Review status: criteria provided, single submitter. Criteria: Ambry Variant Classification Scheme 2023. Collection method: clinical testing. Allele origin: germline.
Comment: The c.340dupA pathogenic mutation, located in coding exon 1 of the MEN1 gene, results from a duplication of A at nucleotide position 340, causing a translational frameshift with a predicted alternate stop codon (p.S114Kfs*3). This variant has been observed in at least one individual with a personal and/or family history that is consistent with multiple endocrine neoplasia type 1 (MEN1) (Klein RD et al. Genet. Med. 2005 Feb; 7(2):131-8; Ambry internal data). This variant is considered to be rare based on population cohorts in the Genome Aggregation Database (gnomAD). This alteration is expected to result in loss of function by premature protein truncation or nonsense-mediated mRNA decay. As such, this alteration is interpreted as a disease-causing mutation.

Labcorp Genetics (formerly Invitae), Labcorp
Classification: Pathogenic for Multiple endocrine neoplasia, type 1. Last evaluated: 2023-09-14. Review status: criteria provided, single submitter. Criteria: Invitae Variant Classification Sherloc (09022015). Collection method: clinical testing. Allele origin: germline.
Comment: For these reasons, this variant has been classified as Pathogenic. This sequence change creates a premature translational stop signal (p.Ser114Lysfs*3) in the MEN1 gene. It is expected to result in an absent or disrupted protein product. Loss-of-function variants in MEN1 are known to be pathogenic (PMID: 12112656, 17853334). This variant is not present in population databases (gnomAD no frequency). This premature translational stop signal has been observed in individual(s) with clinical features of multiple endocrine neoplasia type 1 (PMID: 15714081). ClinVar contains an entry for this variant (Variation ID: 279850).

GeneDx
Classification: Pathogenic. Last evaluated: 2015-11-19. Review status: criteria provided, single submitter. Criteria: GeneDx Variant Classification (06012015). Collection method: clinical testing. Allele origin: germline. Affected: yes.
Comment: The c.340dupA pathogenic variant in the MEN1 gene has been reported previously in association with Multiple Endocrine Neoplasia type I (Klein et al., 2005). The duplication causes a frameshift starting with codon Serine 114, changes this amino acid to a Lysine residue and creates a premature Stop codon at position 3 of the new reading frame, denoted p.Ser114LysfsX3. This pathogenic variant is predicted to cause loss of normal protein function either through protein truncation or nonsense-mediated mRNA decay. The c.340dupA variant was not observed in approximately 6,500 individuals of European and African American ancestry in the NHLBI Exome Sequencing Project, indicating it is not a common benign variant in these populations.

Literature cited by the submitters: PubMed 15714081 (cited by Ambry Genetics and Labcorp Genetics (formerly Invitae), Labcorp); PubMed 12112656 (cited by Labcorp Genetics (formerly Invitae), Labcorp); PubMed 17853334 (cited by Labcorp Genetics (formerly Invitae), Labcorp).

NM_001370259.2(MEN1):c.340dup (p.Ser114fs)

Gene: MEN1 (menin 1; minus strand). Cytogenetic location: 11q13.1.
Variant type: Duplication.
Coding change: c.340dup on transcript NM_001370259.2 (MANE Select); coding-DNA position 340, one base duplicated (A; older notation c.340dupA).
Protein change: p.Ser114fs; shifts the reading frame from serine 114.
Molecular consequence: frameshift variant.
Genome position (GRCh38, 1-based): chr11:64,809,770, T duplicated on the plus strand (A on the coding strand, the reverse complement: MEN1 is on the minus strand). VCF-style (leftmost placement, unchanged base first): chr11-64809769-C-CT. GRCh37 (hg19) VCF-style: chr11-64577241-C-CT.
Other names: c.340dupA (NM_130799.2); c.340dup, p.Ser114fs (NM_000244.4, NM_001370251.2, NM_001370260.2 and 9 more transcripts); short protein forms S114fs.
Identifiers: ClinVar variation 279850 (VCV000279850.18), dbSNP rs886041213, ClinGen allele CA10603131.